The following is an entry in ClinVar:

NM_004859.4(CLTC):c.3533C>A (p.Ala1178Asp)

Gene: CLTC (clathrin heavy chain; plus strand). Cytogenetic location: 17q23.1.
Variant type: single nucleotide variant.
Coding change: c.3533C>A on transcript NM_004859.4 (MANE Select); coding-DNA position 3533, C replaced by A.
Protein change: p.Ala1178Asp; replaces alanine 1178 with aspartic acid.
Molecular consequence: missense variant.
Genome position (GRCh38, 1-based): chr17:59,682,361, C>A. VCF-style: chr17-59682361-C-A. GRCh37 (hg19) VCF-style: chr17-57759722-C-A.
Other names: c.3545C>A, p.Ala1182Asp (NM_001288653.2); short protein forms A1178D, A1182D.
Identifiers: ClinVar variation 5019780 (VCV005019780.1).

ClinVar aggregate classification (germline): Uncertain significance (1 of 4 stars; one submission).

Conditions:
Intellectual developmental disorder, autosomal dominant 56. Also called: MENTAL RETARDATION, AUTOSOMAL DOMINANT 56; Intellectual disability, autosomal dominant 56. Identifiers: MedGen C4693389, MONDO:0030922, OMIM 617854.

Submission:

Juno Genomics, Hangzhou Juno Genomics, Inc
Classification: Uncertain significance for Intellectual developmental disorder, autosomal dominant 56. Review status: criteria provided, single submitter. Criteria: ACMG Guidelines, 2015. Collection method: clinical testing. Allele origin: germline. Affected: yes.
Comment: Absent from controls (or at extremely low frequency if recessive) in Genome Aggregation Database.;Multiple lines of computational evidence support a deleterious effect on the gene or gene product.;Missense variant in a gene that has a low rate of benign missense variation.;Patient's phenotype or family history is highly specific for a disease with a single genetic etiology.